The following is an entry in ClinVar:

ClinVar aggregate classification (germline): Conflicting classifications of pathogenicity. Review status: criteria provided, conflicting classifications (1 of 4 stars). 3 submissions from 3 submitters: Uncertain significance (2); Likely benign (1). Last evaluated 2025-08-31.

Conditions:
Medulloblastoma (MDB). Also called: Medulloblastoma, somatic; MEDULLOBLASTOMA PREDISPOSITION SYNDROME. Identifiers: Orphanet 616, MedGen C0025149, MeSH D008527, MONDO:0007959, OMIM 155255, HP:0002885.
Familial meningioma. Also called: Meningioma, familial, susceptibility to. Identifiers: Orphanet 263662, MedGen C3551915, MONDO:0011789, OMIM 607174.
Basal cell nevus syndrome 2 (BCNS2). Also called: NEVOID BASAL CELL CARCINOMA SYNDROME 2. Identifiers: MedGen C5830451, MONDO:0958189, OMIM 620343.
Joubert syndrome 32 (JBTS32). Identifiers: MedGen C4540342, MONDO:0033309, OMIM 617757.
Gorlin syndrome. Also called: Nevoid Basal Cell Carcinoma Syndrome; Basal cell nevus syndrome. Identifiers: Orphanet 377, MedGen C0004779, MONDO:0007187.
Hereditary cancer-predisposing syndrome. Also called: Tumor predisposition; Neoplastic Syndromes, Hereditary; Hereditary Cancer Syndrome; Hereditary neoplastic syndrome. Identifiers: Orphanet 140162, MedGen C0027672, MeSH D009386, MONDO:0015356.

Allele frequency attached by ClinVar (database versions not stated): gnomAD 0.00001; gnomAD exomes 0.00001; TOPMed 0.00002.

Submissions (3):

Labcorp Genetics (formerly Invitae), Labcorp
Classification: Uncertain significance for Gorlin syndrome; Medulloblastoma. Last evaluated: 2025-08-31. Review status: criteria provided, single submitter. Criteria: Invitae Variant Classification Sherloc (09022015). Collection method: clinical testing. Allele origin: germline.
Comment: This sequence change replaces valine, which is neutral and non-polar, with methionine, which is neutral and non-polar, at codon 477 of the SUFU protein (p.Val477Met). This variant is present in population databases (no rsID available, gnomAD 0.01%). This variant has not been reported in the literature in individuals affected with SUFU-related conditions. ClinVar contains an entry for this variant (Variation ID: 406400). An algorithm developed to predict the effect of missense changes on protein structure and function outputs the following: PolyPhen-2: "Benign". The methionine amino acid residue is found in multiple mammalian species, which suggests that this missense change does not adversely affect protein function. In summary, the available evidence is currently insufficient to determine the role of this variant in disease. Therefore, it has been classified as a Variant of Uncertain Significance.

Fulgent Genetics
Classification: Uncertain significance for Medulloblastoma; Familial meningioma; Joubert syndrome 32; Basal cell nevus syndrome 2. Last evaluated: 2024-01-02. Review status: criteria provided, single submitter. Criteria: ACMG Guidelines, 2015. Collection method: clinical testing. Allele origin: germline.

Ambry Genetics
Classification: Likely benign for Hereditary cancer-predisposing syndrome. Last evaluated: 2022-05-11. Review status: criteria provided, single submitter. Criteria: Ambry Variant Classification Scheme 2023. Collection method: clinical testing. Allele origin: germline.

NM_016169.4(SUFU):c.1429G>A (p.Val477Met)

Gene: SUFU (SUFU negative regulator of hedgehog signaling; plus strand). Cytogenetic location: 10q24.32.
Variant type: single nucleotide variant.
Coding change: c.1429G>A on transcript NM_016169.4 (MANE Select); coding-DNA position 1429, G replaced by A.
Protein change: p.Val477Met; replaces valine 477 with methionine.
Molecular consequence: missense variant.
Genome position (GRCh38, 1-based): chr10:102,630,129, G>A. VCF-style: chr10-102630129-G-A. GRCh37 (hg19) VCF-style: chr10-104389886-G-A.
Other names: short protein forms V477M.
Identifiers: ClinVar variation 406400 (VCV000406400.14), dbSNP rs1060501117, ClinGen allele CA16612722.